The following is an entry in ClinVar:

ClinVar aggregate classification (germline): Uncertain significance (0 of 4 stars; one submission).

Allele frequency attached by ClinVar (database versions not stated): gnomAD exomes below 0.00001; ExAC 0.00001.
gnomAD v4.1: 6 of 1,613,470 alleles (0.00037%); highest among the groups gnomAD compares: Middle Eastern, 0.017%; no homozygotes.

Submission:

Department of Pathology and Laboratory Medicine, Sinai Health System
Classification: Uncertain significance. Review status: no assertion criteria provided. Collection method: clinical testing. Allele origin: unknown. Affected: yes. Study: The Canadian Open Genetics Repository (COGR).
Comment: The PCDH15 p.Glu1518* variant was not identified in the literature nor was it identified in ClinVar, Cosmic or LOVD 3.0. The variant was identified in dbSNP (ID: rs778362385) and in control databases in 1 of 248220 chromosomes at a frequency of 0.000004 (Genome Aggregation Database Feb 27, 2017). The variant was observed in the following population: European (non-Finnish) in 1 of 112314 chromosomes (freq: 0.000009); it was not observed in the African, Latino, Ashkenazi Jewish, East Asian, European (Finnish), Other, and South Asian populations. The c.4552G>T variant leads to a premature stop codon at position 1518, however this is within the most 3' exon of the PCDH15 gene, therefore it is not known whether this variant will lead to a truncated or absent protein and loss of function. In summary, based on the above information the clinical significance of this variant cannot be determined with certainty at this time. This variant is classified as a variant of uncertain significance.

NM_001384140.1(PCDH15):c.4671+1064G>T

Gene: PCDH15 (protocadherin related 15; minus strand). Cytogenetic location: 10q21.1.
Variant type: single nucleotide variant.
Coding change: c.4671+1064G>T on transcript NM_001384140.1 (MANE Select); 1064 bases into the intron after coding-DNA position 4671, G replaced by T.
Molecular consequence: intron variant. On other transcripts: nonsense (2), missense variant (1).
Genome position (GRCh38, 1-based): chr10:53,809,492, C>A on the plus strand (G>T on the coding strand, the complement: PCDH15 is on the minus strand). VCF-style: chr10-53809492-C-A. GRCh37 (hg19) VCF-style: chr10-55569252-C-A.
Other names: c.4573G>T, p.Glu1525Ter (NM_001142769.4); c.4608G>T, p.Arg1536Ser (NM_001142770.3); c.4552G>T, p.Glu1518Ter (NM_001354411.2); c.4476+1064G>T (NM_001354420.2); c.4605+1064G>T (NM_001354429.2); c.4482+1064G>T (NM_001142772.2); c.4497+1064G>T (NM_001142771.2); short protein forms E1518*, E1525*, R1536S.
Identifiers: ClinVar variation 1049242 (VCV001049242.1), dbSNP rs778362385, ClinGen allele CA5504838.